The following is an entry in ClinVar:

NM_020117.11(LARS1):c.495C>T (p.Gly165=)

Gene: LARS1 (leucyl-tRNA synthetase 1; minus strand). Cytogenetic location: 5q32.
Variant type: single nucleotide variant.
Coding change: c.495C>T on transcript NM_020117.11 (MANE Select); coding-DNA position 495, C replaced by T.
Protein change: p.Gly165=; no amino-acid change (glycine 165 retained).
Molecular consequence: synonymous variant.
Genome position (GRCh38, 1-based): chr5:146,164,409, G>A on the plus strand (C>T on the coding strand, the complement: LARS1 is on the minus strand). VCF-style: chr5-146164409-G-A. GRCh37 (hg19) VCF-style: chr5-145543972-G-A.
Other names: p.G165G:GGC>GGT; c.357C>T, p.Gly119= (NM_001317964.2); c.333C>T, p.Gly111= (NM_001317965.2); c.414C>T, p.Gly138= (NM_016460.4).
Identifiers: ClinVar variation 138082 (VCV000138082.10), dbSNP rs3763373, ClinGen allele CA291876.

ClinVar aggregate classification (germline): Benign. Review status: criteria provided, multiple submitters, no conflicts (2 of 4 stars). 2 submissions from 2 submitters: Benign (2). Last evaluated 2026-02-04.

Allele frequency attached by ClinVar (database versions not stated): 1000 Genomes Project 30x 0.18067; 1000 Genomes Project 0.18171; ESP Exome Variant Server 0.20506; TOPMed 0.22143; gnomAD 0.22158 and 0.22605; ExAC 0.26397; gnomAD exomes 0.27446.
gnomAD v4.1: 442,738 of 1,613,026 alleles (27%); highest among the groups gnomAD compares: Admixed American, 42%; 64,872 homozygotes.

Submissions (3):

Labcorp Genetics (formerly Invitae), Labcorp
Classification: Benign. Last evaluated: 2026-02-04. Review status: criteria provided, single submitter. Criteria: Invitae Variant Classification Sherloc (09022015). Collection method: clinical testing. Allele origin: germline.

GeneDx
Classification: Benign. Last evaluated: 2013-08-29. Review status: criteria provided, single submitter. Criteria: GeneDx Variant Classification (06012015). Collection method: clinical testing. Allele origin: germline. Affected: yes.
Comment: This variant is considered likely benign or benign based on one or more of the following criteria: it is a conservative change, it occurs at a poorly conserved position in the protein, it is predicted to be benign by multiple in silico algorithms, and/or has population frequency not consistent with disease.

Dr. Peter K. Rogan Lab, Western University
No classification provided (evidence only). Condition: Familial cancer of breast. Review status: no classification provided. Collection method: in vitro. Allele origin: not applicable. Functional consequence: retained intron. Not counted in ClinVar's aggregate classification.